The following is an entry in ClinVar:

NM_000047.3(ARSL):c.1258C>T (p.Arg420Trp)

Gene: ARSL (arylsulfatase L; minus strand). Cytogenetic location: Xp22.33.
Variant type: single nucleotide variant.
Coding change: c.1258C>T on transcript NM_000047.3 (MANE Select); coding-DNA position 1258, C replaced by T.
Protein change: p.Arg420Trp; replaces arginine 420 with tryptophan.
Molecular consequence: missense variant.
Genome position (GRCh38, 1-based): chrX:2,938,126, G>A on the plus strand (C>T on the coding strand, the complement: ARSL is on the minus strand). VCF-style: chrX-2938126-G-A. GRCh37 (hg19) VCF-style: chrX-2856167-G-A.
Other names: c.1333C>T, p.Arg445Trp (NM_001282628.2, NM_001369080.1); c.1096C>T, p.Arg366Trp (NM_001282631.2); c.1285C>T, p.Arg429Trp (NM_001369079.1); short protein forms R420W, R366W, R429W, R445W.
Identifiers: ClinVar variation 2138469 (VCV002138469.2), dbSNP rs778253985, ClinGen allele CA10338042.
Genomic context (GRCh38, chrX:2,938,126, plus strand): 5'-CTGAATTGTTTCTTTGGGTTGTTCTGTACCTGTCCTGGGGCACCTCGCCGCCCGCCAGCC[G>A]GACCACGGTGGGGAACACGTCCATCAGACTCGTGGGCTCGCCAATCACTCGGCCGGCCGG-3'
Protein context (NP_000038.2, residues 410-430): SLMDVFPTVV[Arg420Trp]LAGGEVPQDR

ClinVar aggregate classification (germline): Uncertain significance (1 of 4 stars; one submission).

Conditions:
Chondrodysplasia punctata, brachytelephalangic, autosomal. Also called: BRACHYTELEPHALANGIC CHONDRODYSPLASIA PUNCTATA. Identifiers: MedGen C1844853, MONDO:0011238, OMIM 602497.

Allele frequency attached by ClinVar (database versions not stated): gnomAD 0.00001; TOPMed 0.00002; ExAC 0.00003; gnomAD exomes 0.00007.
gnomAD v4.1: 70 of 1,210,189 alleles (0.0058%); highest among the groups gnomAD compares: Non-Finnish European, 0.0071%; no homozygotes.

Submission:

Labcorp Genetics (formerly Invitae), Labcorp
Classification: Uncertain significance for Chondrodysplasia punctata, brachytelephalangic, autosomal. Last evaluated: 2025-03-17. Review status: criteria provided, single submitter. Criteria: Invitae Variant Classification Sherloc (09022015). Collection method: clinical testing. Allele origin: germline.
Comment: This sequence change replaces arginine, which is basic and polar, with tryptophan, which is neutral and slightly polar, at codon 420 of the ARSE protein (p.Arg420Trp). This variant is present in population databases (rs778253985, gnomAD 0.008%). This missense change has been observed in individuals with clinical features of chondrodysplasia punctata (PMID: 20523025; internal data). ClinVar contains an entry for this variant (Variation ID: 2138469). Invitae Evidence Modeling of protein sequence and biophysical properties (such as structural, functional, and spatial information, amino acid conservation, physicochemical variation, residue mobility, and thermodynamic stability) indicates that this missense variant is not expected to disrupt ARSE protein function with a negative predictive value of 80%. In summary, the available evidence is currently insufficient to determine the role of this variant in disease. Therefore, it has been classified as a Variant of Uncertain Significance.

Literature cited by the submitters: PubMed 20523025.